The following is an entry in ClinVar:

ClinVar aggregate classification (germline): Uncertain significance (1 of 4 stars; one submission).

Submission:

Labcorp Genetics (formerly Invitae), Labcorp
Classification: Uncertain significance. Last evaluated: 2024-10-18. Review status: criteria provided, single submitter. Criteria: Invitae Variant Classification Sherloc (09022015). Collection method: clinical testing. Allele origin: germline.
Comment: This sequence change creates a premature translational stop signal (p.Leu432*) in the SAMD9L gene. While this is not anticipated to result in nonsense mediated decay, it is expected to disrupt the last 1153 amino acid(s) of the SAMD9L protein. This variant is not present in population databases (gnomAD no frequency). This variant has not been reported in the literature in individuals affected with SAMD9L-related conditions. Experimental studies and prediction algorithms are not available or were not evaluated, and the functional significance of this variant is currently unknown. In summary, the available evidence is currently insufficient to determine the role of this variant in disease. Therefore, it has been classified as a Variant of Uncertain Significance.

NM_152703.5(SAMD9L):c.1295T>G (p.Leu432Ter)

Gene: SAMD9L (sterile alpha motif domain containing 9 like; minus strand). Cytogenetic location: 7q21.2.
Variant type: single nucleotide variant.
Coding change: c.1295T>G on transcript NM_152703.5 (MANE Select); coding-DNA position 1295, T replaced by G.
Protein change: p.Leu432Ter; replaces leucine 432 with a stop codon.
Molecular consequence: nonsense.
Genome position (GRCh38, 1-based): chr7:93,134,677, A>C on the plus strand (T>G on the coding strand, the complement: SAMD9L is on the minus strand). VCF-style: chr7-93134677-A-C. GRCh37 (hg19) VCF-style: chr7-92763990-A-C.
Other names: c.1295T>G, p.Leu432Ter (NM_001303496.3, NM_001303497.3, NM_001303498.3 and 5 more transcripts); short protein forms L432*.
Identifiers: ClinVar variation 3685840 (VCV003685840.2).